The following is an entry in ClinVar:

ClinVar aggregate classification (germline): Likely pathogenic. Review status: criteria provided, multiple submitters, no conflicts (2 of 4 stars). 2 submissions from 2 submitters: Likely pathogenic (2). Last evaluated 2022-06-09.

Conditions:
TWIST1-related disorder.

Submissions (2):

GeneDx
Classification: Likely pathogenic. Last evaluated: 2022-06-09. Review status: criteria provided, single submitter. Criteria: GeneDx Variant Classification Process June 2021. Collection method: clinical testing. Allele origin: germline. Affected: yes.
Comment: Not observed in large population cohorts (gnomAD); In silico analysis, which includes protein predictors and evolutionary conservation, supports a deleterious effect; This variant is associated with the following publications: (PMID: 22982246, 9585583, 30152628, 24127277)

Blueprint Genetics
Classification: Likely pathogenic for TWIST1-related disorders. Last evaluated: 2018-01-12. Review status: criteria provided, single submitter. Criteria: ACMG Guidelines, 2015. Collection method: clinical testing. Allele origin: germline. Affected: yes. Observed: 1 variant allele.

NM_000474.4(TWIST1):c.445C>T (p.Leu149Phe)

Genes: TWIST1 (twist family bHLH transcription factor 1; minus strand), LOC129998021 (ATAC-STARR-seq lymphoblastoid active region 25682; plus strand). Cytogenetic location: 7p21.1.
Variant type: single nucleotide variant.
Coding change: c.445C>T on transcript NM_000474.4 (MANE Select); coding-DNA position 445, C replaced by T.
Protein change: p.Leu149Phe; replaces leucine 149 with phenylalanine.
Molecular consequence: missense variant. On other transcripts: non-coding transcript variant (1).
Genome position (GRCh38, 1-based): chr7:19,116,877, G>A on the plus strand (C>T on the coding strand, the complement: TWIST1 is on the minus strand). VCF-style: chr7-19116877-G-A. GRCh37 (hg19) VCF-style: chr7-19156500-G-A.
Other names: short protein forms L149F.
Identifiers: ClinVar variation 1693014 (VCV001693014.3), dbSNP rs2115396618, ClinGen allele CA367015420.
Genomic context (GRCh38, chr7:19,116,877, plus strand): 5'-CCAGCTCGTCGCTCTGGAGGACCTGGTAGAGGAAGTCGATGTACCTGGCCGCCAGCTTGA[G>A]GGTCTGAATCTTGCTCAGCTTGTCCGAGGGCAGCGTGGGGATGATCTTCCGCAGCGCGGC-3'
Protein context (NP_000465.1, residues 139-159): PSDKLSKIQT[Leu149Phe]KLAARYIDFL